The following is an entry in ClinVar:

NM_000554.6(CRX):c.761_804dup (p.Phe269fs)

Gene: CRX (cone-rod homeobox; plus strand). Cytogenetic location: 19q13.33.
Variant type: Duplication.
Coding change: c.761_804dup on transcript NM_000554.6 (MANE Select); coding-DNA positions 761 to 804, 44 bases duplicated.
Protein change: p.Phe269fs; shifts the reading frame from phenylalanine 269.
Molecular consequence: frameshift variant.
Genome position (GRCh38, 1-based): chr19:47,839,828-47,839,871, 44 bases duplicated. GRCh37 (hg19): chr19:48,343,085-48,343,128.
Other names: short protein forms F269fs.
Identifiers: ClinVar variation 2636425 (VCV002636425.1), dbSNP rs2514256689, ClinGen allele CA2695201356.

ClinVar aggregate classification (germline): Likely pathogenic (1 of 4 stars; one submission).

Conditions:
CRX-related disorder. Also called: CRX-related condition.

Submission:

PreventionGenetics, part of Exact Sciences
Classification: Likely pathogenic for CRX-related condition. Last evaluated: 2022-09-08. Review status: criteria provided, single submitter. Criteria: ACMG Guidelines, 2015. Collection method: clinical testing. Allele origin: germline.
Comment: The CRX c.761_804dup44 variant is predicted to result in a frameshift and premature protein termination (p.Phe269Glnfs*117). To our knowledge, this variant has not been reported in the literature or in a large population database, indicating this variant is rare. However, frameshift variants in CRX are expected to be pathogenic and have been reported in patients with Leber congenital amaurosis and cone-rod retinal dystrophy phenotypes (Xu et al. 2020. PubMed ID: 31630094; Stone. 2007. PubMed ID: 17964524; HGMD: Human Gene Mutation Database). Taken together, this variant is interpreted as likely pathogenic.